The following is an entry in ClinVar:

ClinVar aggregate classification (germline): Likely pathogenic. Review status: criteria provided, single submitter (1 of 4 stars). 2 submissions from 2 submitters: Likely pathogenic (1). 1 of the submissions does not count toward it. Last evaluated 2022-06-23.

Conditions:
Intellectual developmental disorder, X-linked, syndromic, Nascimento type. Also called: MENTAL RETARDATION, X-LINKED, SYNDROMIC 30; Syndromic X-linked intellectual disability Nascimento type. Identifiers: Orphanet 163956, MedGen C3275464, MONDO:0010461, OMIM 300860.
UBE2A-related disorder. Also called: UBE2A-related condition.

Submissions (2):

Blueprint Genetics
Classification: Likely pathogenic for UBE2A-related disorders. Last evaluated: 2022-06-23. Review status: criteria provided, single submitter. Criteria: ACMG Guidelines, 2015. Collection method: clinical testing. Allele origin: germline. Affected: yes. Observed: 1 variant allele.

Clinical Genomics Laboratory, Stanford Medicine
Classification: Likely pathogenic for Intellectual developmental disorder, X-linked, syndromic, Nascimento type. Last evaluated: 2019-11-25. Review status: no assertion criteria provided. Collection method: clinical testing. Allele origin: germline. Inheritance: X-linked inheritance. Affected: yes. Not counted in ClinVar's aggregate classification.
Comment: The c.330+1G>A variant in the UBE2A gene has not been previously reported in association with disease and was absent from large population databases, including the Genome Aggregation Database. This variant alters the canonical donor splice site in intron 5, which is predicted to result in abnormal gene splicing. Heterozygous loss of function is an established mechanism of disease for the UBE2A gene; however, this variant occurs in the last intron of UBE2A and the impact to protein function is uncertain. A previously reported variant (c.330G>A) altering the same 5' splice donor site was shown to result in skipping of exon 5, which was predicted to result in a truncated protein (Giugliano et al., 2018). These data suggest the c.330+1G>A may result in a premature truncation similar to the c.330G>A variant. Other variants predicted to result in premature truncation (c.331-2A>G, p.Gln128*, p.Tyr130Valfs*9) located downstream of the c.330+1G>A variant have been reported in association with UBE2A-associated neurodevelopmental disorder (Nascimento et al., 2006; Czeschik et al., 2013; Ma et al., 2019). These data were assessed using the ACMG/AMP variant interpretation guidelines. In summary, there is sufficient evidence to classify the c.330+1G>A variant as likely pathogenic for UBE2A-associated neurodevelopmental disorder in an X-linked manner based on the information above. [ACMG evidence codes used: PVS1_Strong; PM2]

NM_003336.4(UBE2A):c.330+1G>A

Gene: UBE2A (ubiquitin conjugating enzyme E2 A; plus strand). Cytogenetic location: Xq24.
Variant type: single nucleotide variant.
Coding change: c.330+1G>A on transcript NM_003336.4 (MANE Select); the canonical splice donor site of the intron after coding-DNA position 330, G replaced by A.
Molecular consequence: splice donor variant.
Genome position (GRCh38, 1-based): chrX:119,582,677, G>A. VCF-style: chrX-119582677-G-A. GRCh37 (hg19) VCF-style: chrX-118716640-G-A.
Other names: c.240+1G>A (NM_181762.3); c.231+1G>A (NM_001282161.2).
Identifiers: ClinVar variation 976781 (VCV000976781.2), dbSNP rs2053457643, ClinGen allele CA414376698.
Genomic context (GRCh38, chrX:119,582,677, plus strand): 5'-ATACTTCAGAACCGTTGGAGTCCAACCTATGATGTGTCTTCCATTCTAACATCCATACAG[G>A]TGAATTTTTCCTTAATGTGACGAACTATAACTTTTAATATGTTTATATTAGCAATTGAAT-3'